The following is an entry in ClinVar:

NM_001130987.2(DYSF):c.3575-256G>C

Gene: DYSF (dysferlin; plus strand). Cytogenetic location: 2p13.2.
Variant type: single nucleotide variant.
Coding change: c.3575-256G>C on transcript NM_001130987.2 (MANE Select); 256 bases into the intron before coding-DNA position 3575, G replaced by C.
Molecular consequence: intron variant.
Genome position (GRCh38, 1-based): chr2:71,598,308, G>C. VCF-style: chr2-71598308-G-C. GRCh37 (hg19) VCF-style: chr2-71825438-G-C.
Other names: c.3614-256G>C (NM_001130979.2); c.3572-256G>C (NM_001130981.2, NM_001130980.2); c.3521-256G>C (NM_001130978.2, NM_003494.4); c.3479-256G>C (NM_001130977.2, NM_001130976.2); c.3617-256G>C (NM_001130982.2); c.3575-256G>C (NM_001130985.2); c.3524-256G>C (NM_001130983.2, NM_001130455.2); c.3482-256G>C (NM_001130984.2, NM_001130986.2).
Identifiers: ClinVar variation 668126 (VCV000668126.1), dbSNP rs6737427, ClinGen allele CA11017555.

ClinVar aggregate classification (germline): Benign (1 of 4 stars; one submission).

Allele frequency attached by ClinVar (database versions not stated): 1000 Genomes Project 0.66134; 1000 Genomes Project 30x 0.67021; gnomAD 0.69512 and 0.70685; TOPMed 0.71112.
gnomAD v4.1: 105,671 of 152,198 alleles (69%); highest among the groups gnomAD compares: African/African-American, 88%; 38,035 homozygotes.

Submission:

GeneDx
Classification: Benign. Last evaluated: 2018-06-19. Review status: criteria provided, single submitter. Criteria: GeneDx Variant Classification (06012015). Collection method: clinical testing. Allele origin: germline. Affected: yes.
Comment: This variant is considered likely benign or benign based on one or more of the following criteria: it is a conservative change, it occurs at a poorly conserved position in the protein, it is predicted to be benign by multiple in silico algorithms, and/or has population frequency not consistent with disease.